The following is an entry in ClinVar:

ClinVar aggregate classification (germline): Uncertain significance. Review status: criteria provided, multiple submitters, no conflicts (2 of 4 stars). 2 submissions from 2 submitters: Uncertain significance (2). Last evaluated 2025-11-08.

Conditions:
IFNLR1-related disorder. Also called: IFNLR1-related condition.

gnomAD v4.1: 46 of 1,614,112 alleles (0.0028%); highest among the groups gnomAD compares: Non-Finnish European, 0.0036%; no homozygotes.

Submissions (2):

PreventionGenetics, part of Exact Sciences
Classification: Uncertain significance for IFNLR1-related condition. Last evaluated: 2025-11-08. Review status: criteria provided, single submitter. Criteria: ACMG Guidelines, 2015. Collection method: clinical testing. Allele origin: germline.
Comment: The IFNLR1 c.284A>G variant is predicted to result in the amino acid substitution p.Lys95Arg. To our knowledge, this variant has not been reported in the literature. This variant is reported in 0.0033% of alleles in individuals of South Asian descent in gnomAD. At this time, the clinical significance of this variant is uncertain due to the absence of conclusive functional and genetic evidence.

Ambry Genetics
Classification: Uncertain significance. Last evaluated: 2025-08-22. Review status: criteria provided, single submitter. Criteria: Ambry Variant Classification Scheme 2023. Collection method: clinical testing. Allele origin: germline.

NM_170743.4(IFNLR1):c.284A>G (p.Lys95Arg)

Gene: IFNLR1 (interferon lambda receptor 1; minus strand). Cytogenetic location: 1p36.11.
Variant type: single nucleotide variant.
Coding change: c.284A>G on transcript NM_170743.4 (MANE Select); coding-DNA position 284, A replaced by G.
Protein change: p.Lys95Arg; replaces lysine 95 with arginine.
Molecular consequence: missense variant.
Genome position (GRCh38, 1-based): chr1:24,169,500, T>C on the plus strand (A>G on the coding strand, the complement: IFNLR1 is on the minus strand). VCF-style: chr1-24169500-T-C. GRCh37 (hg19) VCF-style: chr1-24495990-T-C.
Other names: c.284A>G, p.Lys95Arg (NM_173064.3, NM_173065.3); short protein forms K95R.
Identifiers: ClinVar variation 4273781 (VCV004273781.2).